The following is an entry in ClinVar:

ClinVar aggregate classification (germline): Pathogenic. Review status: criteria provided, multiple submitters, no conflicts (2 of 4 stars). 2 submissions from 2 submitters: Pathogenic (2). Last evaluated 2024-11-13.

Conditions:
Chédiak-Higashi syndrome (CHS). Also called: Chediak-Higashi Syndrome. Identifiers: Orphanet 167, MedGen C0007965, MONDO:0008963, OMIM 214500.

Allele frequency attached by ClinVar (database versions not stated): ExAC 0.00001; gnomAD 0.00001; TOPMed 0.00001.

Submissions (2):

Labcorp Genetics (formerly Invitae), Labcorp
Classification: Pathogenic for Chédiak-Higashi syndrome. Last evaluated: 2024-11-13. Review status: criteria provided, single submitter. Criteria: Invitae Variant Classification Sherloc (09022015). Collection method: clinical testing. Allele origin: germline.
Comment: This sequence change creates a premature translational stop signal (p.Arg2596*) in the LYST gene. It is expected to result in an absent or disrupted protein product. Loss-of-function variants in LYST are known to be pathogenic (PMID: 9215679, 11857544). This variant is present in population databases (rs775461913, gnomAD 0.008%). This premature translational stop signal has been observed in individual(s) with Chediak-Higashi syndrome (PMID: 27669550). ClinVar contains an entry for this variant (Variation ID: 2203003). For these reasons, this variant has been classified as Pathogenic.

Juno Genomics, Hangzhou Juno Genomics, Inc
Classification: Pathogenic for Chédiak-Higashi syndrome. Review status: criteria provided, single submitter. Criteria: ACMG Guidelines, 2015. Collection method: clinical testing. Allele origin: germline.
Comment: Absent from controls (or at extremely low frequency if recessive) in Genome Aggregation Database.;Null variant in a gene where loss of function (LOF) is a known mechanism of disease.;For recessive disorders, detected in trans with a pathogenic variant.;Patient's phenotype or family history is highly specific for a disease with a single genetic etiology.

Literature cited by the submitters: PubMed 9215679 (cited by Labcorp Genetics (formerly Invitae), Labcorp); PubMed 11857544 (cited by Labcorp Genetics (formerly Invitae), Labcorp); PubMed 27669550 (cited by Labcorp Genetics (formerly Invitae), Labcorp).

NM_000081.4(LYST):c.7786C>T (p.Arg2596Ter)

Gene: LYST (lysosomal trafficking regulator; minus strand). Cytogenetic location: 1q42.3.
Variant type: single nucleotide variant.
Coding change: c.7786C>T on transcript NM_000081.4 (MANE Select); coding-DNA position 7786, C replaced by T.
Protein change: p.Arg2596Ter; replaces arginine 2596 with a stop codon.
Molecular consequence: nonsense.
Genome position (GRCh38, 1-based): chr1:235,746,522, G>A on the plus strand (C>T on the coding strand, the complement: LYST is on the minus strand). VCF-style: chr1-235746522-G-A. GRCh37 (hg19) VCF-style: chr1-235909822-G-A.
Other names: c.7786C>T, p.Arg2596Ter (NM_001301365.1); short protein forms R2596*.
Identifiers: ClinVar variation 2203003 (VCV002203003.6), dbSNP rs775461913, ClinGen allele CA1466024.